The following is an entry in ClinVar:

ClinVar aggregate classification (germline): Likely benign (1 of 4 stars; one submission).

Submission:

CeGaT Center for Human Genetics Tuebingen
Classification: Likely benign. Last evaluated: 2026-04-01. Review status: criteria provided, single submitter. Criteria: CeGaT Center For Human Genetics Tuebingen Variant Classification Criteria Version 2. Collection method: clinical testing. Allele origin: germline. Affected: yes. Observed: 1 variant allele.
Comment: PCNT: PM2:Supporting, BP4, BP7

NM_006031.6(PCNT):c.6708G>T (p.Leu2236=)

Gene: PCNT (pericentrin; plus strand). Cytogenetic location: 21q22.3.
Variant type: single nucleotide variant.
Coding change: c.6708G>T on transcript NM_006031.6 (MANE Select); coding-DNA position 6708, G replaced by T.
Protein change: p.Leu2236=; no amino-acid change (leucine 2236 retained).
Molecular consequence: synonymous variant.
Genome position (GRCh38, 1-based): chr21:46,416,626, G>T. VCF-style: chr21-46416626-G-T. GRCh37 (hg19) VCF-style: chr21-47836540-G-T.
Other names: c.6354G>T, p.Leu2118= (NM_001315529.2).
Identifiers: ClinVar variation 4874304 (VCV004874304.2).